The following is an entry in ClinVar:

NM_005428.4(VAV1):c.805G>A (p.Val269Ile)

Gene: VAV1 (vav guanine nucleotide exchange factor 1; plus strand). Cytogenetic location: 19p13.3.
Variant type: single nucleotide variant.
Coding change: c.805G>A on transcript NM_005428.4 (MANE Select); coding-DNA position 805, G replaced by A.
Protein change: p.Val269Ile; replaces valine 269 with isoleucine.
Molecular consequence: missense variant.
Genome position (GRCh38, 1-based): chr19:6,825,384, G>A. VCF-style: chr19-6825384-G-A. GRCh37 (hg19) VCF-style: chr19-6825395-G-A.
Other names: c.805G>A, p.Val269Ile (NM_001258206.2); c.709G>A, p.Val237Ile (NM_001258207.2); short protein forms V237I, V269I.
Identifiers: ClinVar variation 3007160 (VCV003007160.3), dbSNP rs1288629849, ClinGen allele CA403618792.

ClinVar aggregate classification (germline): Uncertain significance (1 of 4 stars; one submission).

Allele frequency attached by ClinVar (database versions not stated): TOPMed 0.00001; gnomAD 0.00002.
gnomAD v4.1: 6 of 1,613,274 alleles (0.00037%); highest among the groups gnomAD compares: African/African-American, 0.0067%; no homozygotes.

Submission:

Labcorp Genetics (formerly Invitae), Labcorp
Classification: Uncertain significance. Last evaluated: 2023-02-27. Review status: criteria provided, single submitter. Criteria: Invitae Variant Classification Sherloc (09022015). Collection method: clinical testing. Allele origin: germline.
Comment: In summary, the available evidence is currently insufficient to determine the role of this variant in disease. Therefore, it has been classified as a Variant of Uncertain Significance. An algorithm developed to predict the effect of missense changes on protein structure and function (PolyPhen-2) suggests that this variant is likely to be tolerated. This variant has not been reported in the literature in individuals affected with VAV1-related conditions. This variant is present in population databases (no rsID available, gnomAD 0.003%). This sequence change replaces valine, which is neutral and non-polar, with isoleucine, which is neutral and non-polar, at codon 269 of the VAV1 protein (p.Val269Ile).